The following is an entry in ClinVar:

ClinVar aggregate classification (germline): Uncertain significance. Review status: criteria provided, multiple submitters, no conflicts (2 of 4 stars). 2 submissions from 2 submitters: Uncertain significance (2). Last evaluated 2022-06-11.

Conditions:
Familial Mediterranean fever (FMF). Also called: POLYSEROSITIS, FAMILIAL PAROXYSMAL; POLYSEROSITIS, RECURRENT; Periodic peritonitis; Benign paroxysmal peritonitis. Identifiers: Orphanet 342, MedGen C0031069, MONDO:0018088, OMIM 249100. Disease mechanism: gain of function.

gnomAD v4.1: 4 of 1,614,076 alleles (0.00025%); highest among the groups gnomAD compares: South Asian, 0.0011%; no homozygotes.

Submissions (2):

Labcorp Genetics (formerly Invitae), Labcorp
Classification: Uncertain significance for Familial Mediterranean fever. Last evaluated: 2022-06-11. Review status: criteria provided, single submitter. Criteria: Invitae Variant Classification Sherloc (09022015). Collection method: clinical testing. Allele origin: germline.
Comment: This sequence change replaces valine, which is neutral and non-polar, with leucine, which is neutral and non-polar, at codon 722 of the MEFV protein (p.Val722Leu). This variant is present in population databases (rs104895201, gnomAD 0.0009%). This variant has not been reported in the literature in individuals affected with MEFV-related conditions. Algorithms developed to predict the effect of missense changes on protein structure and function output the following: SIFT: "Tolerated"; PolyPhen-2: "Benign"; Align-GVGD: "Class C0". The leucine amino acid residue is found in multiple mammalian species, which suggests that this missense change does not adversely affect protein function. In summary, the available evidence is currently insufficient to determine the role of this variant in disease. Therefore, it has been classified as a Variant of Uncertain Significance.

Blueprint Genetics
Classification: Uncertain significance. Last evaluated: 2021-08-03. Review status: criteria provided, single submitter. Criteria: ACMG Guidelines, 2015. Collection method: clinical testing. Allele origin: germline.

NM_000243.3(MEFV):c.2164G>C (p.Val722Leu)

Genes: MEFV (MEFV innate immunity regulator, pyrin; minus strand), LOC126862264 (CDK7 strongly-dependent group 2 enhancer GRCh37_chr16:3293322-3294521; plus strand). Cytogenetic location: 16p13.3.
Variant type: single nucleotide variant.
Coding change: c.2164G>C on transcript NM_000243.3 (MANE Select); coding-DNA position 2164, G replaced by C.
Protein change: p.Val722Leu; replaces valine 722 with leucine.
Molecular consequence: missense variant. On other transcripts: 3 prime UTR variant (1).
Genome position (GRCh38, 1-based): chr16:3,243,323, C>G on the plus strand (G>C on the coding strand, the complement: MEFV is on the minus strand). VCF-style: chr16-3243323-C-G. GRCh37 (hg19) VCF-style: chr16-3293323-C-G.
Other names: c.*368G>C (NM_001198536.2); short protein forms V722L.
Identifiers: ClinVar variation 1925442 (VCV001925442.4), dbSNP rs104895201, ClinGen allele CA7859862.